The following is an entry in ClinVar:

NM_000301.5(PLG):c.517T>C (p.Tyr173His)

Gene: PLG (plasminogen; plus strand). Cytogenetic location: 6q26.
Variant type: single nucleotide variant.
Coding change: c.517T>C on transcript NM_000301.5 (MANE Select); coding-DNA position 517, T replaced by C.
Protein change: p.Tyr173His; replaces tyrosine 173 with histidine.
Molecular consequence: missense variant.
Genome position (GRCh38, 1-based): chr6:160,713,095, T>C. VCF-style: chr6-160713095-T-C. GRCh37 (hg19) VCF-style: chr6-161134127-T-C.
Other names: short protein forms Y173H.
Identifiers: ClinVar variation 2843603 (VCV002843603.3), dbSNP rs2484330748, ClinGen allele CA366361835.

ClinVar aggregate classification (germline): Uncertain significance (1 of 4 stars; one submission).

Allele frequency attached by ClinVar (database versions not stated): gnomAD exomes below 0.00001.
gnomAD v4.1: 2 of 1,610,792 alleles (0.00012%); highest among the groups gnomAD compares: Non-Finnish European, 0.000085%; no homozygotes.

Submission:

Labcorp Genetics (formerly Invitae), Labcorp
Classification: Uncertain significance. Last evaluated: 2023-03-20. Review status: criteria provided, single submitter. Criteria: Invitae Variant Classification Sherloc (09022015). Collection method: clinical testing. Allele origin: germline.
Comment: Advanced modeling of protein sequence and biophysical properties (such as structural, functional, and spatial information, amino acid conservation, physicochemical variation, residue mobility, and thermodynamic stability) performed at Invitae indicates that this missense variant is not expected to disrupt PLG protein function. In summary, the available evidence is currently insufficient to determine the role of this variant in disease. Therefore, it has been classified as a Variant of Uncertain Significance. This variant has not been reported in the literature in individuals affected with PLG-related conditions. This sequence change replaces tyrosine, which is neutral and polar, with histidine, which is basic and polar, at codon 173 of the PLG protein (p.Tyr173His). This variant is not present in population databases (gnomAD no frequency).